The following is an entry in ClinVar:

NM_001139.3(ALOX12B):c.284G>A (p.Arg95His)

Gene: ALOX12B (arachidonate 12-lipoxygenase, 12R type; minus strand). Cytogenetic location: 17p13.1.
Variant type: single nucleotide variant.
Coding change: c.284G>A on transcript NM_001139.3 (MANE Select); coding-DNA position 284, G replaced by A.
Protein change: p.Arg95His; replaces arginine 95 with histidine.
Molecular consequence: missense variant.
Genome position (GRCh38, 1-based): chr17:8,086,084, C>T on the plus strand (G>A on the coding strand, the complement: ALOX12B is on the minus strand). VCF-style: chr17-8086084-C-T. GRCh37 (hg19) VCF-style: chr17-7989402-C-T.
Other names: short protein forms R95H.
Identifiers: ClinVar variation 3364565 (VCV003364565.2).

ClinVar aggregate classification (germline): Uncertain significance (1 of 4 stars; one submission).

gnomAD v4.1: 94 of 1,614,138 alleles (0.0058%); highest among the groups gnomAD compares: African/African-American, 0.029%; no homozygotes.

Submission:

GeneDx
Classification: Uncertain significance. Last evaluated: 2024-11-25. Review status: criteria provided, single submitter. Criteria: GeneDx Variant Classification Process June 2021. Collection method: clinical testing. Allele origin: germline.
Comment: Has not been previously published as a pathogenic or benign germline variant to our knowledge; In silico analysis indicates that this missense variant does not alter protein structure/function; This variant is associated with the following publications: (PMID: 32422580)